The following is an entry in ClinVar:

NM_000368.5(TSC1):c.831_832del (p.His279fs)

Gene: TSC1 (TSC complex subunit 1; minus strand). Cytogenetic location: 9q34.13.
Variant type: Microsatellite.
Coding change: c.831_832del on transcript NM_000368.5 (MANE Select); coding-DNA positions 831 to 832, 2 bases deleted (GT; older notation c.831_832delGT).
Protein change: p.His279fs; shifts the reading frame from histidine 279.
Molecular consequence: frameshift variant.
Genome position (GRCh38, 1-based): chr9:132,912,363-132,912,364, AC deleted on the plus strand (GT on the coding strand, the reverse complement: TSC1 is on the minus strand); deleting any 2 consecutive bases within chr9:132,912,363-132,912,367 gives the same sequence; the c. name uses the placement nearest the transcript's 3' end. VCF-style (leftmost placement, unchanged base first): chr9-132912362-GAC-G. GRCh37 (hg19) VCF-style: chr9-135787749-GAC-G.
Other names: c.831_832del, p.His279fs (NM_001162426.2); c.678_679del, p.His228fs (NM_001162427.2); c.468_469del, p.His158fs (NM_001362177.2); short protein forms H158fs, H279fs, H228fs.
Identifiers: ClinVar variation 49112 (VCV000049112.2), dbSNP rs118203455, ClinGen allele CA008261.

ClinVar aggregate classification (germline): not provided. Review status: no classification provided (0 of 4 stars). 2 submissions from 1 submitter: not provided (1). 1 of the submissions does not count toward it.

Conditions:
Tuberous sclerosis syndrome (TSC). Also called: Tuberous Sclerosis Complex; Tuberous sclerosis. Identifiers: Orphanet 805, MedGen C0041341, MONDO:0001734.

Submissions (2):

Tuberous sclerosis database (TSC1)
No classification provided. Condition: TSC. Review status: no classification provided. Criteria: Tuberous Sclerosis Database Assertion Criteria 2015. Collection method: curation. Allele origin: germline. Affected: yes.

Tuberous sclerosis database (TSC1)
No classification provided. Condition: TSC. Review status: flagged submission. Criteria: Tuberous Sclerosis Database Assertion Criteria 2015. Collection method: curation. Allele origin: germline. Affected: yes. Not counted in ClinVar's aggregate classification.
ClinVar note: Reason: This record appears to be redundant with a more recent record from the same submitter.
ClinVar note: Notes: SCV000066155 appears to be redundant with SCV000066156.